The following is an entry in ClinVar:

NM_014795.4(ZEB2):c.823del (p.Gln275fs)

Gene: ZEB2 (zinc finger E-box binding homeobox 2; minus strand). Cytogenetic location: 2q22.3.
Variant type: Deletion.
Coding change: c.823del on transcript NM_014795.4 (MANE Select); coding-DNA position 823, one base deleted (C; older notation c.823delC).
Protein change: p.Gln275fs; shifts the reading frame from glutamine 275.
Molecular consequence: frameshift variant.
Genome position (GRCh38, 1-based): chr2:144,401,292, G deleted on the plus strand (C on the coding strand, the reverse complement: ZEB2 is on the minus strand); the first of 3 consecutive G bases (chr2:144,401,292-144,401,294); deleting any one gives the same sequence. VCF-style (leftmost placement, unchanged base first): chr2-144401291-TG-T. GRCh37 (hg19) VCF-style: chr2-145158858-TG-T.
Other names: c.751del, p.Gln251fs (NM_001171653.2); c.823delC (NM_014795.4); short protein forms Q251fs, Q275fs.
Identifiers: ClinVar variation 4279682 (VCV004279682.1).
Genomic context (GRCh38, chr2:144,401,291, plus strand): 5'-TGTTTATATTTGAAGGCCTTGCCACACTCTGTGCATTTGAACTTGCGATTACCTGCTCCT[TG>T]GGTTAGCATTTGGTGCTATAAAAGGAGAAAGACTGACATCAGTTTTGTGCAGGAGGAACA-3'

ClinVar aggregate classification (germline): Pathogenic (1 of 4 stars; one submission).

Conditions:
Mowat-Wilson syndrome (MOWS). Also called: Classic Mowat-Wilson Syndrome. Identifiers: Orphanet 2152, MedGen C1856113, MONDO:0009341, OMIM 235730.

Submission:

Daryl Scott Lab, Baylor College of Medicine
Classification: Pathogenic for Mowat-Wilson syndrome. Last evaluated: 2025-08-25. Review status: criteria provided, single submitter. Criteria: ACMG Guidelines, 2015. Collection method: clinical testing. Allele origin: de novo. Affected: yes. Observed: 1 heterozygote.
Comment: PVS1, PS2, PM2